The following is an entry in ClinVar:

ClinVar aggregate classification (germline): Uncertain significance (1 of 4 stars; one submission).

Allele frequency attached by ClinVar (database versions not stated): gnomAD 0.00001; gnomAD exomes below 0.00001; TOPMed 0.00002.
gnomAD v4.1: 10 of 1,583,964 alleles (0.00063%); highest among the groups gnomAD compares: African/African-American, 0.0081%; no homozygotes.

Submission:

Labcorp Genetics (formerly Invitae), Labcorp
Classification: Uncertain significance. Last evaluated: 2023-12-13. Review status: criteria provided, single submitter. Criteria: Invitae Variant Classification Sherloc (09022015). Collection method: clinical testing. Allele origin: germline.
Comment: This sequence change replaces alanine, which is neutral and non-polar, with threonine, which is neutral and polar, at codon 196 of the PITX3 protein (p.Ala196Thr). This variant is not present in population databases (gnomAD no frequency). This variant has not been reported in the literature in individuals affected with PITX3-related conditions. An algorithm developed to predict the effect of missense changes on protein structure and function (PolyPhen-2) suggests that this variant is likely to be tolerated. In summary, the available evidence is currently insufficient to determine the role of this variant in disease. Therefore, it has been classified as a Variant of Uncertain Significance.

NM_005029.4(PITX3):c.586G>A (p.Ala196Thr)

Genes: GBF1 (golgi brefeldin A resistant guanine nucleotide exchange factor 1; plus strand), PITX3 (paired like homeodomain 3; minus strand). Cytogenetic location: 10q24.32.
Variant type: single nucleotide variant.
Coding change: c.586G>A on transcript NM_005029.4 (MANE Select); coding-DNA position 586, G replaced by A.
Protein change: p.Ala196Thr; replaces alanine 196 with threonine.
Molecular consequence: missense variant. On other transcripts: 5 prime UTR variant (2).
Genome position (GRCh38, 1-based): chr10:102,230,837, C>T on the plus strand (G>A on the coding strand, the complement: PITX3 is on the minus strand). VCF-style: chr10-102230837-C-T. GRCh37 (hg19) VCF-style: chr10-103990594-C-T.
Other names: c.-90C>T (NM_001391923.1); c.-228C>T (NM_001391924.1); short protein forms A196T.
Identifiers: ClinVar variation 2722578 (VCV002722578.3), dbSNP rs1180535289, ClinGen allele CA378161305.